The following is an entry in ClinVar:

ClinVar aggregate classification (germline): Benign/Likely benign. Review status: criteria provided, multiple submitters, no conflicts (2 of 4 stars). 5 submissions from 5 submitters: Benign (2); Likely benign (2). 1 of the submissions does not count toward it. Last evaluated 2026-01-01.

Conditions:
CAMTA1-related disorder. Also called: CAMTA1-related condition.

Allele frequency attached by ClinVar (database versions not stated): 1000 Genomes Project 30x 0.00016; 1000 Genomes Project 0.00020; TOPMed 0.00046; gnomAD 0.00050 and 0.00051; ExAC 0.00064; gnomAD exomes 0.00065 and 0.00084; ESP Exome Variant Server 0.00092.
gnomAD v4.1: 1,285 of 1,614,246 alleles (0.08%); highest among the groups gnomAD compares: South Asian, 0.17%; 2 homozygotes.

Submissions (5):

CeGaT Center for Human Genetics Tuebingen
Classification: Likely benign. Last evaluated: 2026-01-01. Review status: criteria provided, single submitter. Criteria: CeGaT Center For Human Genetics Tuebingen Variant Classification Criteria Version 2. Collection method: clinical testing. Allele origin: germline. Affected: yes. Observed: 4 variant alleles.
Comment: CAMTA1: BP4, BS1

Labcorp Genetics (formerly Invitae), Labcorp
Classification: Benign. Last evaluated: 2025-04-07. Review status: criteria provided, single submitter. Criteria: Invitae Variant Classification Sherloc (09022015). Collection method: clinical testing. Allele origin: germline.

Mayo Clinic Laboratories, Mayo Clinic
Classification: Benign. Last evaluated: 2024-12-26. Review status: criteria provided, single submitter. Criteria: ACMG Guidelines, 2015. Collection method: clinical testing. Allele origin: germline. Observed: 3 variant alleles.
Comment: BS1, BS2, BP4, BP7

Blueprint Genetics
Classification: Likely benign. Last evaluated: 2024-11-17. Review status: criteria provided, single submitter. Criteria: ACMG Guidelines, 2015. Collection method: clinical testing. Allele origin: germline.

PreventionGenetics, part of Exact Sciences
Classification: Likely benign for CAMTA1-related condition. Last evaluated: 2023-06-15. Review status: no assertion criteria provided. Collection method: clinical testing. Allele origin: germline. Not counted in ClinVar's aggregate classification.
Comment: This variant is classified as likely benign based on ACMG/AMP sequence variant interpretation guidelines (Richards et al. 2015 PMID: 25741868, with internal and published modifications).

NM_015215.4(CAMTA1):c.3471G>A (p.Val1157=)

Gene: CAMTA1 (calmodulin binding transcription activator 1; plus strand). Cytogenetic location: 1p36.23.
Variant type: single nucleotide variant.
Coding change: c.3471G>A on transcript NM_015215.4 (MANE Select); coding-DNA position 3471, G replaced by A.
Protein change: p.Val1157=; no amino-acid change (valine 1157 retained).
Molecular consequence: synonymous variant.
Genome position (GRCh38, 1-based): chr1:7,737,383, G>A. VCF-style: chr1-7737383-G-A. GRCh37 (hg19) VCF-style: chr1-7797443-G-A.
Other names: p.Val1157=; c.3381G>A, p.Val1127= (NM_001349608.2, NM_001349612.2); c.3471G>A, p.Val1157= (NM_001349609.2, NM_001349610.2); c.600G>A, p.Val200= (NM_001349613.1); c.543G>A, p.Val181= (NM_001349614.1, NM_001349615.2, NM_001349616.2 and 10 more transcripts).
Identifiers: ClinVar variation 738099 (VCV000738099.35), dbSNP rs151130353, ClinGen allele CA566962.
Genomic context (GRCh38, chr1:7,737,383, plus strand): 5'-CTCGATTCCCGACTCTCTAGGAAGGCTGCCTTTGGGAATTGCCAGGTCACGGGGTCATGT[G>A]AAATTAGCAGAGTGTCTGGAGCACCTGCAGAGAGATGAGCAGGCTCAGCTGGGACAGAAC-3'
Protein context (NP_056030.1, residues 1147-1167): PLGIARSRGH[Val1157=]KLAECLEHLQ